The following is an entry in ClinVar:

ClinVar aggregate classification (germline): Uncertain significance (1 of 4 stars; one submission).

gnomAD v4.1: 1 of 1,595,564 alleles (0.000063%); highest among the groups gnomAD compares: Non-Finnish European, 0.000085%; no homozygotes.

Submission:

Labcorp Genetics (formerly Invitae), Labcorp
Classification: Uncertain significance. Last evaluated: 2024-02-19. Review status: criteria provided, single submitter. Criteria: Invitae Variant Classification Sherloc (09022015). Collection method: clinical testing. Allele origin: germline.
Comment: This sequence change replaces glutamine, which is neutral and polar, with histidine, which is basic and polar, at codon 264 of the PGAP3 protein (p.Gln264His). This variant is not present in population databases (gnomAD no frequency). This variant has not been reported in the literature in individuals affected with PGAP3-related conditions. ClinVar contains an entry for this variant (Variation ID: 1899519). Advanced modeling of protein sequence and biophysical properties (such as structural, functional, and spatial information, amino acid conservation, physicochemical variation, residue mobility, and thermodynamic stability) has been performed at Invitae for this missense variant, however the output from this modeling did not meet the statistical confidence thresholds required to predict the impact of this variant on PGAP3 protein function. In summary, the available evidence is currently insufficient to determine the role of this variant in disease. Therefore, it has been classified as a Variant of Uncertain Significance.

NM_033419.5(PGAP3):c.792G>C (p.Gln264His)

Gene: PGAP3 (post-GPI attachment to proteins phospholipase 3; minus strand). Cytogenetic location: 17q12.
Variant type: single nucleotide variant.
Coding change: c.792G>C on transcript NM_033419.5 (MANE Select); coding-DNA position 792, G replaced by C.
Protein change: p.Gln264His; replaces glutamine 264 with histidine.
Molecular consequence: missense variant. On other transcripts: intron variant (3).
Genome position (GRCh38, 1-based): chr17:39,673,158, C>G on the plus strand (G>C on the coding strand, the complement: PGAP3 is on the minus strand). VCF-style: chr17-39673158-C-G. GRCh37 (hg19) VCF-style: chr17-37829411-C-G.
Other names: c.639G>C, p.Gln213His (NM_001291726.2); c.729G>C, p.Gln243His (NM_001291728.2); c.433-292G>C (NM_001291733.2); c.495-292G>C (NM_001291732.2); c.558-292G>C (NM_001291730.2); short protein forms Q243H, Q264H, Q213H.
Identifiers: ClinVar variation 1899519 (VCV001899519.5), dbSNP rs1477897371, ClinGen allele CA399320113.
Genomic context (GRCh38, chr17:39,673,158, plus strand): 5'-ATGGGCATCCAGGACCCAGAAGAGCGGTGGGAAGTCAAGCAGCTCGAGCAGGGACAGCCC[C>G]TGCAGCAGCAAGACCACCACCACGCACTTGCGCACGTGAGGCAGCCGCCGCTGGTTCCAC-3'
Protein context (NP_219487.3, residues 254-274): RKCVVVVLLL[Gln264His]GLSLLELLDF